The following is an entry in ClinVar:

NM_006231.4(POLE):c.1804G>A (p.Glu602Lys)

Gene: POLE (DNA polymerase epsilon, catalytic subunit; minus strand). Cytogenetic location: 12q24.33.
Variant type: single nucleotide variant.
Coding change: c.1804G>A on transcript NM_006231.4 (MANE Select); coding-DNA position 1804, G replaced by A.
Protein change: p.Glu602Lys; replaces glutamic acid 602 with lysine.
Molecular consequence: missense variant.
Genome position (GRCh38, 1-based): chr12:132,668,930, C>T on the plus strand (G>A on the coding strand, the complement: POLE is on the minus strand). VCF-style: chr12-132668930-C-T. GRCh37 (hg19) VCF-style: chr12-133245516-C-T.
Other names: c.1804G>A (NM_006231.2); short protein forms E602K.
Identifiers: ClinVar variation 1063269 (VCV001063269.10), dbSNP rs2135979827, ClinGen allele CA387355631.

ClinVar aggregate classification (germline): Uncertain significance. Review status: criteria provided, multiple submitters, no conflicts (2 of 4 stars). 2 submissions from 2 submitters: Uncertain significance (2). Last evaluated 2024-08-09.

Conditions:
Hereditary cancer-predisposing syndrome. Also called: Hereditary Cancer Syndrome; Hereditary neoplastic syndrome; Neoplastic Syndromes, Hereditary; Tumor predisposition. Identifiers: Orphanet 140162, MedGen C0027672, MeSH D009386, MONDO:0015356.

Submissions (2):

Ambry Genetics
Classification: Uncertain significance for Hereditary cancer-predisposing syndrome. Last evaluated: 2024-08-09. Review status: criteria provided, single submitter. Criteria: Ambry Variant Classification Scheme 2023. Collection method: clinical testing. Allele origin: germline.
Comment: The p.E602K variant (also known as c.1804G>A), located in coding exon 17 of the POLE gene, results from a G to A substitution at nucleotide position 1804. The glutamic acid at codon 602 is replaced by lysine, an amino acid with similar properties. This amino acid position is conserved. In addition, this alteration is predicted to be tolerated by in silico analysis. Based on the available evidence, the clinical significance of this variant remains unclear.

Labcorp Genetics (formerly Invitae), Labcorp
Classification: Uncertain significance. Last evaluated: 2024-03-07. Review status: criteria provided, single submitter. Criteria: Invitae Variant Classification Sherloc (09022015). Collection method: clinical testing. Allele origin: germline.
Comment: This sequence change replaces glutamic acid, which is acidic and polar, with lysine, which is basic and polar, at codon 602 of the POLE protein (p.Glu602Lys). This variant is not present in population databases (gnomAD no frequency). This variant has not been reported in the literature in individuals affected with POLE-related conditions. ClinVar contains an entry for this variant (Variation ID: 1063269). Advanced modeling of protein sequence and biophysical properties (such as structural, functional, and spatial information, amino acid conservation, physicochemical variation, residue mobility, and thermodynamic stability) performed at Invitae indicates that this missense variant is not expected to disrupt POLE protein function with a negative predictive value of 80%. In summary, the available evidence is currently insufficient to determine the role of this variant in disease. Therefore, it has been classified as a Variant of Uncertain Significance.